The following is an entry in ClinVar:

NM_000051.4(ATM):c.8251_8254del (p.Thr2751fs)

Genes: ATM (ATM serine/threonine kinase; plus strand), C11orf65 (chromosome 11 open reading frame 65; minus strand). Cytogenetic location: 11q22.3.
Variant type: Deletion.
Coding change: c.8251_8254del on transcript NM_000051.4 (MANE Select); coding-DNA positions 8251 to 8254, 4 bases deleted (ACTA; older notation c.8251_8254delACTA).
Protein change: p.Thr2751fs; shifts the reading frame from threonine 2751.
Molecular consequence: frameshift variant. On other transcripts: intron variant (2).
Genome position (GRCh38, 1-based): chr11:108,335,944-108,335,947, ACTA deleted; deleting any 4 consecutive bases within chr11:108,335,942-108,335,947 gives the same sequence; the c. name uses the placement nearest the transcript's 3' end. VCF-style (leftmost placement, unchanged base first): chr11-108335941-TTAAC-T. GRCh37 (hg19) VCF-style: chr11-108206668-TTAAC-T.
Other names: c.8251_8254del, p.Thr2751fs (NM_001351834.2); c.641-26874_641-26871del (NM_001330368.2); c.695-653_695-650del (NM_001351110.2); short protein forms T2751fs.
Identifiers: ClinVar variation 185368 (VCV000185368.9), dbSNP rs786202120, ClinGen allele CA191745.

ClinVar aggregate classification (germline): Pathogenic. Review status: criteria provided, multiple submitters, no conflicts (2 of 4 stars). 5 submissions from 5 submitters: Pathogenic (5). Last evaluated 2026-02-13.

Conditions:
Hereditary cancer-predisposing syndrome. Also called: Hereditary Cancer Syndrome; Tumor predisposition; Neoplastic Syndromes, Hereditary; Hereditary neoplastic syndrome. Identifiers: Orphanet 140162, MedGen C0027672, MeSH D009386, MONDO:0015356.
Ataxia-telangiectasia syndrome (AT). Also called: ATAXIA-TELANGIECTASIA, COMPLEMENTATION GROUP A; ATAXIA-TELANGIECTASIA, FRESNO VARIANT; Ataxia-telangiectasia; Ataxia-telangiectasia, complementation group E; Cerebello-oculocutaneous telangiectasia; Immunodeficiency with ataxia telangiectasia. Identifiers: Orphanet 100, MedGen C0004135, MONDO:0008840, OMIM 208900.
Familial cancer of breast. Also called: hereditary breast carcinoma; BREAST CANCER, FAMILIAL; Hereditary breast cancer. Identifiers: Orphanet 227535, MedGen C0346153, MONDO:0016419, OMIM 114480. Disease mechanism: loss of function.

Submissions (5):

Ambry Genetics
Classification: Pathogenic for Hereditary cancer-predisposing syndrome. Last evaluated: 2026-02-13. Review status: criteria provided, single submitter. Criteria: Ambry Variant Classification Scheme 2023. Collection method: clinical testing. Allele origin: germline.
Comment: The c.8251_8254delACTA pathogenic mutation, located in coding exon 55 of the ATM gene, results from a deletion of 4 nucleotides at nucleotide positions 8251 to 8254, causing a translational frameshift with a predicted alternate stop codon (p.T2751Sfs*54). This variant has been identified in the homozygous state and/or in conjunction with other ATM variant(s) in individual(s) with features consistent with ataxia telangiectasia (Jacquemin V et al. Eur J Hum Genet, 2012 Mar;20:305-12). This variant is considered to be rare based on population cohorts in the Genome Aggregation Database (gnomAD). This alteration is expected to result in loss of function by premature protein truncation or nonsense-mediated mRNA decay. As such, this alteration is interpreted as a disease-causing mutation.

Labcorp Genetics (formerly Invitae), Labcorp
Classification: Pathogenic for Ataxia-telangiectasia syndrome. Last evaluated: 2025-10-07. Review status: criteria provided, single submitter. Criteria: Invitae Variant Classification Sherloc (09022015). Collection method: clinical testing. Allele origin: germline.
Comment: This sequence change creates a premature translational stop signal (p.Thr2751Serfs*54) in the ATM gene. It is expected to result in an absent or disrupted protein product. Loss-of-function variants in ATM are known to be pathogenic (PMID: 23807571, 25614872). This variant is not present in population databases (gnomAD no frequency). This premature translational stop signal has been observed in individual(s) with ATM-related conditions (PMID: 22071889, 38075165). ClinVar contains an entry for this variant (Variation ID: 185368). For these reasons, this variant has been classified as Pathogenic.

Molecular Diagnostics Laboratory, Catalan Institute of Oncology
Classification: Pathogenic for Hereditary cancer-predisposing syndrome. Last evaluated: 2025-05-22. Review status: criteria provided, single submitter. Criteria: ClinGen ACMG Specifications ATM V1.1.0. Collection method: clinical testing. Allele origin: germline.
Comment: PVS1, PM2_Supporting, PM5_Supporting c.8251_8254del, located in exon 56 of the ATM gene, consists in the deletion of one nucleotide, causing a translational frameshift with a predicted alternate stop codon, p.(Thr2751Serfs*54). This alteration is expected to result in loss of function by premature protein truncation and nonsense-mediated mRNA decay (PVS1, PM5_Supporting). It is not present in the population database gnomAD v2.1.1, non cancer dataset (PM2_Supporting). The SpliceAI algorithm predicts no significant impact on splicing. To our knowledge, functional studies have not been reported for this variant. In addition, it has been reported in ClinVar database (2x as pathogenic) and in LOVD database (1x pathogenic). Based on currently available information, the variant c.8251_8254del is classified as a pathogenic variant according to ClinGen-ATM Guidelines version v1.1.

Myriad Genetics, Inc.
Classification: Pathogenic for Familial cancer of breast. Last evaluated: 2024-02-02. Review status: criteria provided, single submitter. Criteria: Myriad Autosomal Dominant, Autosomal Recessive and X-Linked Classification Criteria (2023). Collection method: clinical testing. Allele origin: unknown.
Comment: This variant is considered pathogenic. This variant creates a frameshift predicted to result in premature protein truncation.

Genesis Genomics
Classification: Pathogenic for Familial cancer of breast. Review status: criteria provided, single submitter. Criteria: ACMG Guidelines, 2015. Collection method: clinical testing. Allele origin: germline. Affected: yes. Observed: 1 variant allele.

Literature cited by the submitters: PubMed 22071889 (cited by Ambry Genetics and Labcorp Genetics (formerly Invitae), Labcorp); PubMed 23807571 (cited by Labcorp Genetics (formerly Invitae), Labcorp); PubMed 25614872 (cited by Labcorp Genetics (formerly Invitae), Labcorp); PubMed 38075165 (cited by Labcorp Genetics (formerly Invitae), Labcorp).